The following is an entry in ClinVar:

NM_144687.4(NLRP12):c.3160A>G (p.Lys1054Glu)

Gene: NLRP12 (NLR family pyrin domain containing 12; minus strand). Cytogenetic location: 19q13.42.
Variant type: single nucleotide variant.
Coding change: c.3160A>G on transcript NM_144687.4 (MANE Select); coding-DNA position 3160, A replaced by G.
Protein change: p.Lys1054Glu; replaces lysine 1054 with glutamic acid.
Molecular consequence: missense variant.
Genome position (GRCh38, 1-based): chr19:53,794,075, T>C on the plus strand (A>G on the coding strand, the complement: NLRP12 is on the minus strand). VCF-style: chr19-53794075-T-C. GRCh37 (hg19) VCF-style: chr19-54297329-T-C.
Other names: c.3163A>G, p.Lys1055Glu (NM_001277126.2); c.2989A>G, p.Lys997Glu (NM_001277129.1); short protein forms K1055E, K997E, K1054E.
Identifiers: ClinVar variation 1464003 (VCV001464003.9), dbSNP rs1451264761, ClinGen allele CA407407191.

ClinVar aggregate classification (germline): Uncertain significance. Review status: criteria provided, multiple submitters, no conflicts (2 of 4 stars). 2 submissions from 2 submitters: Uncertain significance (2). Last evaluated 2025-07-28.

Conditions:
Familial cold autoinflammatory syndrome 2 (FCAS2). Identifiers: Orphanet 247868, MedGen C2673198, MONDO:0012724, OMIM 611762.

Allele frequency attached by ClinVar (database versions not stated): gnomAD 0.00001; TOPMed 0.00001.

Submissions (2):

Women's Health and Genetics/Laboratory Corporation of America, LabCorp
Classification: Uncertain significance. Last evaluated: 2025-07-28. Review status: criteria provided, single submitter. Criteria: LabCorp Variant Classification Summary - May 2015. Collection method: clinical testing. Allele origin: germline.
Comment: Variant summary: NLRP12 c.3160A>G (p.Lys1054Glu) results in a conservative amino acid change in the encoded protein sequence. Algorithms developed to predict the effect of missense changes on protein structure and function all suggest that this variant is likely to be tolerated. The frequency data for this variant in gnomAD is considered unreliable, as metrics indicate poor data quality at this position. To our knowledge, no occurrence of c.3160A>G in individuals affected with Familial cold autoinflammatory syndrome 2 and no experimental evidence demonstrating its impact on protein function have been reported. ClinVar contains an entry for this variant (Variation ID: 1464003). Based on the evidence outlined above, the variant was classified as uncertain significance.

Labcorp Genetics (formerly Invitae), Labcorp
Classification: Uncertain significance for Familial cold autoinflammatory syndrome 2. Last evaluated: 2022-03-03. Review status: criteria provided, single submitter. Criteria: Invitae Variant Classification Sherloc (09022015). Collection method: clinical testing. Allele origin: germline.
Comment: In summary, the available evidence is currently insufficient to determine the role of this variant in disease. Therefore, it has been classified as a Variant of Uncertain Significance. Algorithms developed to predict the effect of missense changes on protein structure and function are either unavailable or do not agree on the potential impact of this missense change (SIFT: "Deleterious"; PolyPhen-2: "Possibly Damaging"; Align-GVGD: "Class C0"). This variant has not been reported in the literature in individuals affected with NLRP12-related conditions. This variant is not present in population databases (gnomAD no frequency). This sequence change replaces lysine, which is basic and polar, with glutamic acid, which is acidic and polar, at codon 1054 of the NLRP12 protein (p.Lys1054Glu).